The following is an entry in ClinVar:

ClinVar aggregate classification (germline): Uncertain significance. Review status: criteria provided, multiple submitters, no conflicts (2 of 4 stars). 2 submissions from 2 submitters: Uncertain significance (2). Last evaluated 2025-04-07.

Conditions:
Catecholaminergic polymorphic ventricular tachycardia 1. Also called: RYR2-Related Catecholaminergic Polymorphic Ventricular Tachycardia; VENTRICULAR TACHYCARDIA, STRESS-INDUCED POLYMORPHIC 1; VENTRICULAR TACHYCARDIA, CATECHOLAMINERGIC POLYMORPHIC, 1, WITH OR WITHOUT ATRIAL DYSFUNCTION AND/OR DILATED CARDIOMYOPATHY. Identifiers: Orphanet 3286, MedGen C1631597, MONDO:0011484, OMIM 604772.

Allele frequency attached by ClinVar (database versions not stated): gnomAD exomes below 0.00001; ExAC 0.00001.

Submissions (2):

Labcorp Genetics (formerly Invitae), Labcorp
Classification: Uncertain significance for Catecholaminergic polymorphic ventricular tachycardia 1. Last evaluated: 2025-04-07. Review status: criteria provided, single submitter. Criteria: Invitae Variant Classification Sherloc (09022015). Collection method: clinical testing. Allele origin: germline.
Comment: This sequence change replaces tyrosine, which is neutral and polar, with asparagine, which is neutral and polar, at codon 12 of the CASQ2 protein (p.Tyr12Asn). This variant is present in population databases (rs752330104, gnomAD 0.006%). This missense change has been observed in individual(s) with catecholaminergic polymorphic ventricular tachycardia (internal data). ClinVar contains an entry for this variant (Variation ID: 190750). An algorithm developed to predict the effect of missense changes on protein structure and function (PolyPhen-2) suggests that this variant is likely to be tolerated. In summary, the available evidence is currently insufficient to determine the role of this variant in disease. Therefore, it has been classified as a Variant of Uncertain Significance.

GeneDx
Classification: Uncertain significance. Last evaluated: 2023-05-25. Review status: criteria provided, single submitter. Criteria: GeneDx Variant Classification Process June 2021. Collection method: clinical testing. Allele origin: germline. Affected: yes.
Comment: Not observed at significant frequency in large population cohorts (gnomAD); In silico analysis supports that this missense variant does not alter protein structure/function; This variant is associated with the following publications: (PMID: 32553227)

NM_001232.4(CASQ2):c.34T>A (p.Tyr12Asn)

Gene: CASQ2 (calsequestrin 2; minus strand). Cytogenetic location: 1p13.1.
Variant type: single nucleotide variant.
Coding change: c.34T>A on transcript NM_001232.4 (MANE Select); coding-DNA position 34, T replaced by A.
Protein change: p.Tyr12Asn; replaces tyrosine 12 with asparagine.
Molecular consequence: missense variant.
Genome position (GRCh38, 1-based): chr1:115,768,508, A>T on the plus strand (T>A on the coding strand, the complement: CASQ2 is on the minus strand). VCF-style: chr1-115768508-A-T. GRCh37 (hg19) VCF-style: chr1-116311129-A-T.
Other names: p.Y12N:TAT>AAT; short protein forms Y12N.
Identifiers: ClinVar variation 190750 (VCV000190750.7), dbSNP rs752330104, ClinGen allele CA301919.